The following is an entry in ClinVar:

ClinVar aggregate classification (germline): Uncertain significance. Review status: criteria provided, multiple submitters, no conflicts (2 of 4 stars). 3 submissions from 3 submitters: Uncertain significance (3). Last evaluated 2026-06-24.

Conditions:
RYR1-related disorder. Also called: RYR1-related disorders; RYR1-related condition. Identifiers: MedGen CN239331.
King Denborough syndrome (KDS). Identifiers: MedGen C1840365, MONDO:0020485, OMIM 619542.
Malignant hyperthermia, susceptibility to, 1 (MHS1). Also called: RYR1-Related Malignant Hyperthermia Susceptibility; Malignant hyperthermia suceptibility 1; Anesthesia related hyperthermia; Malignant hyperpyrexia; Fulminating hyperpyrexia; Pharmacogenic myopathy. Identifiers: Orphanet 423, MedGen C2930980, MONDO:0007783, OMIM 145600.
Central core myopathy (CMYO1A). Also called: Central core disease; Myopathy, central fibrillar; CONGENITAL MYOPATHY 1A, AUTOSOMAL DOMINANT, WITH SUSCEPTIBILITY TO MALIGNANT HYPERTHERMIA. Identifiers: Orphanet 597, MedGen C5830701, MONDO:0007294, OMIM 117000.
Congenital multicore myopathy with external ophthalmoplegia (CMYO1B). Also called: MULTIMINICORE DISEASE WITH EXTERNAL OPHTHALMOPLEGIA; MULTICORE MYOPATHY; Minicore myopathy with external ophthalmoplegia; Congenital myopathy 1B, autosomal recessive; Minicore myopathy. Identifiers: Orphanet 598, Orphanet 98905, MedGen C1850674, MONDO:0009712, OMIM 255320, HP:0003789.
Congenital myopathy with fiber type disproportion. Also called: Congenital fiber-type disproportion myopathy; Congenital fiber-type disproportion. Identifiers: Orphanet 2020, MedGen C0546264, MONDO:0009711. Inheritance: all.

Allele frequency attached by ClinVar (database versions not stated): ExAC 0.00001; gnomAD exomes 0.00001; gnomAD 0.00002; TOPMed 0.00003.
gnomAD v4.1: 19 of 1,613,198 alleles (0.0012%); highest among the groups gnomAD compares: African/African-American, 0.004%; no homozygotes.

Submissions (3):

GeneDx
Classification: Uncertain significance. Last evaluated: 2026-06-24. Review status: criteria provided, single submitter. Criteria: GeneDx Variant Classification Process June 2021. Collection method: clinical testing. Allele origin: germline.
Comment: Not observed at significant frequency in large population cohorts (gnomAD); In silico analysis supports that this missense variant has a deleterious effect on protein structure/function; Has not been previously published as pathogenic or benign to our knowledge

Labcorp Genetics (formerly Invitae), Labcorp
Classification: Uncertain significance for RYR1-related disorder. Last evaluated: 2025-04-22. Review status: criteria provided, single submitter. Criteria: Invitae Variant Classification Sherloc (09022015). Collection method: clinical testing. Allele origin: germline.
Comment: This sequence change replaces lysine, which is basic and polar, with glutamine, which is neutral and polar, at codon 3497 of the RYR1 protein (p.Lys3497Gln). This variant is present in population databases (rs754849970, gnomAD 0.008%). This variant has not been reported in the literature in individuals affected with RYR1-related conditions. ClinVar contains an entry for this variant (Variation ID: 1439051). Invitae Evidence Modeling of protein sequence and biophysical properties (such as structural, functional, and spatial information, amino acid conservation, physicochemical variation, residue mobility, and thermodynamic stability) indicates that this missense variant is not expected to disrupt RYR1 protein function with a negative predictive value of 80%. In summary, the available evidence is currently insufficient to determine the role of this variant in disease. Therefore, it has been classified as a Variant of Uncertain Significance.

Fulgent Genetics
Classification: Uncertain significance for Central core myopathy; Malignant hyperthermia, susceptibility to, 1; Congenital myopathy 4A, autosomal dominant; Congenital multicore myopathy with external ophthalmoplegia; King Denborough syndrome. Last evaluated: 2021-08-04. Review status: criteria provided, single submitter. Criteria: ACMG Guidelines, 2015. Collection method: clinical testing. Allele origin: unknown.

NM_000540.3(RYR1):c.10489A>C (p.Lys3497Gln)

Gene: RYR1 (ryanodine receptor 1; plus strand). Cytogenetic location: 19q13.2.
Variant type: single nucleotide variant.
Coding change: c.10489A>C on transcript NM_000540.3 (MANE Select); coding-DNA position 10489, A replaced by C.
Protein change: p.Lys3497Gln; replaces lysine 3497 with glutamine.
Molecular consequence: missense variant.
Genome position (GRCh38, 1-based): chr19:38,525,365, A>C. VCF-style: chr19-38525365-A-C. GRCh37 (hg19) VCF-style: chr19-39016005-A-C.
Other names: c.10489A>C (NM_000540.2); c.10474A>C, p.Lys3492Gln (NM_001042723.2); short protein forms K3492Q, K3497Q.
Identifiers: ClinVar variation 1439051 (VCV001439051.10), dbSNP rs754849970, ClinGen allele CA053859.
Genomic context (GRCh38, chr19:38,525,365, plus strand): 5'-CTGGTGCTGAGCCCTGTGTCCCCACAGTCCGGTGGCTCGGACCAGGAACGCACCAAGAAG[A>C]AGCGCCGGGGGGACCGGTACTCTGTGCAGACGTCACTGATCGTGGCCACACTGAAGAAGA-3'
Protein context (NP_000531.2, residues 3487-3507): GGSDQERTKK[Lys3497Gln]RRGDRYSVQT